The following is an entry in ClinVar:

NM_000214.3(JAG1):c.2283C>T (p.Val761=)

Gene: JAG1 (jagged canonical Notch ligand 1; minus strand). Cytogenetic location: 20p12.2.
Variant type: single nucleotide variant.
Coding change: c.2283C>T on transcript NM_000214.3 (MANE Select); coding-DNA position 2283, C replaced by T.
Protein change: p.Val761=; no amino-acid change (valine 761 retained).
Molecular consequence: synonymous variant.
Genome position (GRCh38, 1-based): chr20:10,644,924, G>A on the plus strand (C>T on the coding strand, the complement: JAG1 is on the minus strand). VCF-style: chr20-10644924-G-A. GRCh37 (hg19) VCF-style: chr20-10625572-G-A.
Identifiers: ClinVar variation 2812862 (VCV002812862.3), dbSNP rs2514512944, ClinGen allele CA509659877.

ClinVar aggregate classification (germline): Uncertain significance (1 of 4 stars; one submission).

Conditions:
Alagille syndrome due to a JAG1 point mutation. Also called: JAG1-Related Alagille Syndrome; HEPATIC DUCTULAR HYPOPLASIA, SYNDROMATIC; Alagille Syndrome 1. Identifiers: Orphanet 261619, Orphanet 52, MedGen C1956125, MONDO:0016862, OMIM 118450.

Submission:

Labcorp Genetics (formerly Invitae), Labcorp
Classification: Uncertain significance for Alagille syndrome due to a JAG1 point mutation. Last evaluated: 2025-07-31. Review status: criteria provided, single submitter. Criteria: Invitae Variant Classification Sherloc (09022015). Collection method: clinical testing. Allele origin: germline.
Comment: This sequence change affects codon 761 of the JAG1 mRNA. It is a 'silent' change, meaning that it does not change the encoded amino acid sequence of the JAG1 protein. This variant is not present in population databases (gnomAD no frequency). This variant has not been reported in the literature in individuals affected with JAG1-related conditions. ClinVar contains an entry for this variant (Variation ID: 2812862). Algorithms developed to predict the effect of sequence changes on RNA splicing suggest that this variant may disrupt the consensus splice site. In summary, the available evidence is currently insufficient to determine the role of this variant in disease. Therefore, it has been classified as a Variant of Uncertain Significance.